The following is an entry in ClinVar:

NM_001384140.1(PCDH15):c.1559C>T (p.Thr520Ile)

Gene: PCDH15 (protocadherin related 15; minus strand). Cytogenetic location: 10q21.1.
Variant type: single nucleotide variant.
Coding change: c.1559C>T on transcript NM_001384140.1 (MANE Select); coding-DNA position 1559, C replaced by T.
Protein change: p.Thr520Ile; replaces threonine 520 with isoleucine.
Molecular consequence: missense variant.
Genome position (GRCh38, 1-based): chr10:54,183,475, G>A on the plus strand (C>T on the coding strand, the complement: PCDH15 is on the minus strand). VCF-style: chr10-54183475-G-A. GRCh37 (hg19) VCF-style: chr10-55943235-G-A.
Other names: c.1574C>T, p.Thr525Ile (NM_001142763.2, NM_001142771.2); c.1559C>T, p.Thr520Ile (NM_001142764.2, NM_001142765.2, NM_001142766.2 and 6 more transcripts); c.1448C>T, p.Thr483Ile (NM_001142767.2); c.1493C>T, p.Thr498Ile (NM_001142768.2, NM_001142773.2, NM_001354404.2); c.1595C>T, p.Thr532Ile (NM_001142769.4); c.1580C>T, p.Thr527Ile (NM_001354411.2); short protein forms T525I, T498I, T527I, T520I, T532I, T483I.
Identifiers: ClinVar variation 1427063 (VCV001427063.6), dbSNP rs2133800068, ClinGen allele CA376514511.

ClinVar aggregate classification (germline): Uncertain significance (1 of 4 stars; one submission).

Submission:

Labcorp Genetics (formerly Invitae), Labcorp
Classification: Uncertain significance. Last evaluated: 2024-02-26. Review status: criteria provided, single submitter. Criteria: Invitae Variant Classification Sherloc (09022015). Collection method: clinical testing. Allele origin: germline.
Comment: This sequence change replaces threonine, which is neutral and polar, with isoleucine, which is neutral and non-polar, at codon 520 of the PCDH15 protein (p.Thr520Ile). This variant is not present in population databases (gnomAD no frequency). This variant has not been reported in the literature in individuals affected with PCDH15-related conditions. ClinVar contains an entry for this variant (Variation ID: 1427063). Advanced modeling of protein sequence and biophysical properties (such as structural, functional, and spatial information, amino acid conservation, physicochemical variation, residue mobility, and thermodynamic stability) performed at Invitae indicates that this missense variant is not expected to disrupt PCDH15 protein function with a negative predictive value of 80%. In summary, the available evidence is currently insufficient to determine the role of this variant in disease. Therefore, it has been classified as a Variant of Uncertain Significance.